The following is an entry in ClinVar:

ClinVar aggregate classification (germline): Likely benign. Review status: criteria provided, multiple submitters, no conflicts (2 of 4 stars). 3 submissions from 3 submitters: Likely benign (3). Last evaluated 2026-02-02.

Conditions:
Ataxia-telangiectasia syndrome (AT). Also called: LOUIS-BAR SYNDROME; Cerebello-oculocutaneous telangiectasia; Immunodeficiency with ataxia telangiectasia; Ataxia-telangiectasia, complementation group D; AT, COMPLEMENTATION GROUP C; Ataxia telangiectasia (A-T). Identifiers: Orphanet 100, MedGen C0004135, MONDO:0008840, OMIM 208900.
Familial cancer of breast. Also called: Hereditary breast cancer; BREAST CANCER, FAMILIAL; hereditary breast carcinoma. Identifiers: Orphanet 227535, MedGen C0346153, MONDO:0016419, OMIM 114480. Disease mechanism: loss of function.
ATM-related disorder. Also called: ATM-related disorders; ATM-related condition.

gnomAD v4.1: 32 of 1,263,934 alleles (0.0025%); highest among the groups gnomAD compares: Admixed American, 0.004%; no homozygotes.

Submissions (3):

PreventionGenetics, part of Exact Sciences
Classification: Likely benign for ATM-related condition. Last evaluated: 2026-02-02. Review status: criteria provided, single submitter. Criteria: ACMG Guidelines, 2015. Collection method: clinical testing. Allele origin: germline.
Comment: This variant is classified as likely benign based on ACMG/AMP sequence variant interpretation guidelines (Richards et al. 2015 PMID: 25741868, with internal and published modifications).

Blueprint Genetics
Classification: Likely benign. Last evaluated: 2024-06-25. Review status: criteria provided, single submitter. Criteria: ACMG Guidelines, 2015. Collection method: clinical testing. Allele origin: germline.

Department of Pathology and Laboratory Medicine, Sinai Health System
Classification: Likely benign for Familial cancer of breast; Ataxia-telangiectasia syndrome. Last evaluated: 2024-06-24. Review status: criteria provided, single submitter. Criteria: ACMG Guidelines, 2015. Collection method: clinical testing. Allele origin: germline.

NM_000051.4(ATM):c.5763-1057C>T

Genes: ATM (ATM serine/threonine kinase; plus strand), C11orf65 (chromosome 11 open reading frame 65; minus strand). Cytogenetic location: 11q22.3.
Variant type: single nucleotide variant.
Coding change: c.5763-1057C>T on transcript NM_000051.4 (MANE Select); 1057 bases into the intron before coding-DNA position 5763, C replaced by T.
Molecular consequence: intron variant.
Genome position (GRCh38, 1-based): chr11:108,309,103, C>T. VCF-style: chr11-108309103-C-T. GRCh37 (hg19) VCF-style: chr11-108179830-C-T.
Other names: c.5763-1057C>T (NM_001351834.2); c.641-32G>A (NM_001330368.2); c.*39-32G>A (NM_001351110.2).
Identifiers: ClinVar variation 3892991 (VCV003892991.3).